The following is an entry in ClinVar:

ClinVar aggregate classification (germline): Likely benign. Review status: criteria provided, single submitter (1 of 4 stars). 2 submissions from 2 submitters: Likely benign (1). 1 of the submissions does not count toward it. Last evaluated 2026-01-19.

Conditions:
ROBO1-related disorder. Also called: ROBO1-related condition.

Allele frequency attached by ClinVar (database versions not stated): gnomAD exomes 0.00013 and 0.00041; ExAC 0.00051; gnomAD 0.00130 and 0.00138; TOPMed 0.00133; ESP Exome Variant Server 0.00192; 1000 Genomes Project 0.00220; 1000 Genomes Project 30x 0.00234.
gnomAD v4.1: 402 of 1,613,526 alleles (0.025%); highest among the groups gnomAD compares: African/African-American, 0.46%; 1 homozygote.

Submissions (3):

Labcorp Genetics (formerly Invitae), Labcorp
Classification: Likely benign. Last evaluated: 2026-01-19. Review status: criteria provided, single submitter. Criteria: Invitae Variant Classification Sherloc (09022015). Collection method: clinical testing. Allele origin: germline.

PreventionGenetics, part of Exact Sciences
Classification: Likely benign for ROBO1-related condition. Last evaluated: 2020-06-05. Review status: no assertion criteria provided. Collection method: clinical testing. Allele origin: germline. Not counted in ClinVar's aggregate classification.
Comment: This variant is classified as likely benign based on ACMG/AMP sequence variant interpretation guidelines (Richards et al. 2015 PMID: 25741868, with internal and published modifications).

Dr. Peter K. Rogan Lab, Western University
No classification provided (evidence only). Condition: Uterine corpus endometrial carcinoma. Review status: no classification provided. Collection method: in vitro. Allele origin: not applicable. Functional consequence: retained intron. Not counted in ClinVar's aggregate classification.

NM_002941.4(ROBO1):c.1565G>A (p.Arg522Gln)

Gene: ROBO1 (roundabout guidance receptor 1; minus strand). Cytogenetic location: 3p12.3.
Variant type: single nucleotide variant.
Coding change: c.1565G>A on transcript NM_002941.4 (MANE Select); coding-DNA position 1565, G replaced by A.
Protein change: p.Arg522Gln; replaces arginine 522 with glutamine.
Molecular consequence: missense variant.
Genome position (GRCh38, 1-based): chr3:78,668,549, C>T on the plus strand (G>A on the coding strand, the complement: ROBO1 is on the minus strand). VCF-style: chr3-78668549-C-T. GRCh37 (hg19) VCF-style: chr3-78717699-C-T.
Other names: c.1457G>A, p.Arg486Gln (NM_001145845.2, NM_133631.4); short protein forms R486Q, R522Q.
Identifiers: ClinVar variation 738129 (VCV000738129.11), dbSNP rs138082446, ClinGen allele CA2498924.
Genomic context (GRCh38, chr3:78,668,549, plus strand): 5'-ACTTCAATGTAAGCACTCCATGTTGCTTCACCACTGGGGGTTGATGCAATGCAGGTGTAC[C>T]GACCAGTATCACCCAGCTGAGAAGGCAGACAAAAAATAAATATTTGGAAAAATCAAGAAC-3'
Protein context (NP_002932.1, residues 512-532): IRYAKLGDTG[Arg522Gln]YTCIASTPSG